The following is an entry in ClinVar:

ClinVar aggregate classification (germline): Conflicting classifications of pathogenicity. Review status: criteria provided, conflicting classifications (1 of 4 stars). 3 submissions from 3 submitters: Uncertain significance (2); Likely benign (1). Last evaluated 2025-11-11.

Allele frequency attached by ClinVar (database versions not stated): gnomAD exomes 0.00001 and 0.00003; gnomAD 0.00002; ExAC 0.00003.
gnomAD v4.1: 17 of 1,208,800 alleles (0.0014%); highest among the groups gnomAD compares: South Asian, 0.0053%; no homozygotes.

Submissions (3):

Ambry Genetics
Classification: Uncertain significance. Last evaluated: 2025-11-11. Review status: criteria provided, single submitter. Criteria: Ambry Variant Classification Scheme 2023. Collection method: clinical testing. Allele origin: germline.
Comment: The c.3191G>A (p.R1064H) alteration is located in exon 3 (coding exon 2) of the KIAA2022 gene. This alteration results from a G to A substitution at nucleotide position 3191, causing the arginine (R) at amino acid position 1064 to be replaced by a histidine (H). Based on data from gnomAD, the A allele has an overall frequency of 0.003% (5/183325) total alleles studied. The highest observed frequency was 0.007% (2/27418) of Latino alleles. Based on insufficient or conflicting evidence, the clinical significance of this alteration remains unclear.

Labcorp Genetics (formerly Invitae), Labcorp
Classification: Likely benign. Last evaluated: 2025-05-18. Review status: criteria provided, single submitter. Criteria: Invitae Variant Classification Sherloc (09022015). Collection method: clinical testing. Allele origin: germline.

GeneDx
Classification: Uncertain significance. Last evaluated: 2024-09-06. Review status: criteria provided, single submitter. Criteria: GeneDx Variant Classification Process June 2021. Collection method: clinical testing. Allele origin: germline. Affected: yes.
Comment: In silico analysis supports that this missense variant has a deleterious effect on protein structure/function; Has not been previously published as pathogenic or benign to our knowledge

NM_001008537.3(NEXMIF):c.3191G>A (p.Arg1064His)

Gene: NEXMIF (neurite extension and migration factor; minus strand). Cytogenetic location: Xq13.3.
Variant type: single nucleotide variant.
Coding change: c.3191G>A on transcript NM_001008537.3 (MANE Select); coding-DNA position 3191, G replaced by A.
Protein change: p.Arg1064His; replaces arginine 1064 with histidine.
Molecular consequence: missense variant.
Genome position (GRCh38, 1-based): chrX:74,741,366, C>T on the plus strand (G>A on the coding strand, the complement: NEXMIF is on the minus strand). VCF-style: chrX-74741366-C-T. GRCh37 (hg19) VCF-style: chrX-73961201-C-T.
Other names: c.3191G>A (NM_001008537.2, NM_001008537.1); short protein forms R1064H.
Identifiers: ClinVar variation 1150852 (VCV001150852.11), dbSNP rs770464262, ClinGen allele CA10454970.
Genomic context (GRCh38, chrX:74,741,366, plus strand): 5'-GTAATTTGAGGGGAAAGACTAGGGGTGTCCGGTGGGGACATCTCTGAAAGGGAAGAGTGG[C>T]GGAATTTGTCAGGGGTGAAGTTGGATATATCCAGGAGGTCAGTGGACTCCTTTAGTGGTG-3'
Protein context (NP_001008537.1, residues 1054-1074): DISNFTPDKF[Arg1064His]HSSLSEMSPP